The following is an entry in ClinVar:

ClinVar aggregate classification (germline): Uncertain significance. Review status: criteria provided, multiple submitters, no conflicts (2 of 4 stars). 5 submissions from 5 submitters: Uncertain significance (5). Last evaluated 2025-09-03.

Conditions:
Cardiovascular phenotype. Identifiers: MedGen CN230736.
Familial thoracic aortic aneurysm and aortic dissection (TAAD). Also called: Thoracic aortic aneurysms and dissections. Identifiers: Orphanet 91387, MedGen C4707243, MONDO:0019625.
Aortic aneurysm, familial thoracic 4 (AAT4). Also called: AORTIC ANEURYSM/AORTIC DISSECTION AND PATENT DUCTUS ARTERIOSUS. Identifiers: MedGen C1851504, MONDO:0007568, OMIM 132900.

Allele frequency attached by ClinVar (database versions not stated): 1000 Genomes Project 30x 0.00016; 1000 Genomes Project 0.00020; gnomAD 0.00003; ExAC 0.00006.
gnomAD v4.1: 34 of 1,613,808 alleles (0.0021%); highest among the groups gnomAD compares: South Asian, 0.011%; no homozygotes.

Submissions (5):

Women's Health and Genetics/Laboratory Corporation of America, LabCorp
Classification: Uncertain significance. Last evaluated: 2025-09-03. Review status: criteria provided, single submitter. Criteria: LabCorp Variant Classification Summary - May 2015. Collection method: clinical testing. Allele origin: germline.
Comment: Variant summary: MYH11 c.5617G>A (p.Glu1873Lys) results in a conservative amino acid change in the encoded protein sequence. Three of five in-silico tools predict a benign effect of the variant on protein function. The variant allele was found at a frequency of 4e-05 in 251258 control chromosomes. The observed variant frequency is approximately 32 fold of the estimated maximal expected allele frequency for a pathogenic variant in MYH11 causing Aortopathy phenotype (1.3e-06), however the frequency is within pathogenic range for a hypothetical variant associated with the recessive MYH11 phenotype, Megacystis-microcolon-intestinal hypoperistalsis syndrome. To our knowledge, no occurrence of c.5617G>A in individuals affected with MYH11-related conditions and no experimental evidence demonstrating its impact on protein function have been reported. ClinVar contains an entry for this variant (Variation ID: 263884). Based on the evidence outlined above, the variant was classified as uncertain significance.

Labcorp Genetics (formerly Invitae), Labcorp
Classification: Uncertain significance for Aortic aneurysm, familial thoracic 4. Last evaluated: 2025-01-30. Review status: criteria provided, single submitter. Criteria: Invitae Variant Classification Sherloc (09022015). Collection method: clinical testing. Allele origin: germline.
Comment: This sequence change replaces glutamic acid, which is acidic and polar, with lysine, which is basic and polar, at codon 1873 of the MYH11 protein (p.Glu1873Lys). This variant is present in population databases (rs148743922, gnomAD 0.03%). This variant has not been reported in the literature in individuals affected with MYH11-related conditions. ClinVar contains an entry for this variant (Variation ID: 263884). Invitae Evidence Modeling of protein sequence and biophysical properties (such as structural, functional, and spatial information, amino acid conservation, physicochemical variation, residue mobility, and thermodynamic stability) indicates that this missense variant is not expected to disrupt MYH11 protein function with a negative predictive value of 95%. In summary, the available evidence is currently insufficient to determine the role of this variant in disease. Therefore, it has been classified as a Variant of Uncertain Significance.

GeneDx
Classification: Uncertain significance. Last evaluated: 2024-09-05. Review status: criteria provided, single submitter. Criteria: GeneDx Variant Classification Process June 2021. Collection method: clinical testing. Allele origin: germline. Affected: yes.
Comment: Has not been previously published as pathogenic or benign in association with a MYH11-related disorder to our knowledge; In silico analysis, which includes protein predictors and evolutionary conservation, supports a deleterious effect; This variant is associated with the following publications: (PMID: 21529752, 35982159, 33057194)

Color Diagnostics, LLC DBA Color Health
Classification: Uncertain significance for Familial thoracic aortic aneurysm and aortic dissection. Last evaluated: 2024-03-06. Review status: criteria provided, single submitter. Criteria: ACMG Guidelines, 2015. Collection method: clinical testing. Allele origin: germline.
Comment: This missense variant replaces glutamic acid with lysine at codon 1873 of the MYH11 protein. Computational prediction is inconclusive regarding the impact of this variant on protein structure and function (internally defined REVEL score threshold 0.5 < inconclusive < 0.7, PMID: 27666373). To our knowledge, functional studies have not been reported for this variant. This variant has not been reported in individuals affected with cardiovascular disorders in the literature. This variant has been identified in 11/282646 chromosomes in the general population by the Genome Aggregation Database (gnomAD). The available evidence is insufficient to determine the role of this variant in disease conclusively. Therefore, this variant is classified as a Variant of Uncertain Significance.

Ambry Genetics
Classification: Uncertain significance for Cardiovascular phenotype. Last evaluated: 2014-11-25. Review status: criteria provided, single submitter. Criteria: Ambry Autosomal Dominant and X-Linked criteria (10/2015). Collection method: clinical testing. Allele origin: germline. Observed: 1 variant allele.
Comment: There is insufficient or conflicting evidence for classification of this alteration.

NM_002474.3(MYH11):c.5596G>A (p.Glu1866Lys)

Genes: MYH11 (myosin heavy chain 11; minus strand), NDE1 (nudE neurodevelopment protein 1; plus strand). Cytogenetic location: 16p13.11.
Variant type: single nucleotide variant.
Coding change: c.5596G>A on transcript NM_002474.3 (MANE Select); coding-DNA position 5596, G replaced by A.
Protein change: p.Glu1866Lys; replaces glutamic acid 1866 with lysine.
Molecular consequence: missense variant. On other transcripts: intron variant (2).
Genome position (GRCh38, 1-based): chr16:15,715,181, C>T on the plus strand (G>A on the coding strand, the complement: MYH11 is on the minus strand). VCF-style: chr16-15715181-C-T. GRCh37 (hg19) VCF-style: chr16-15809038-C-T.
Other names: c.5617G>A, p.Glu1873Lys (NM_001040113.2, NM_001040114.2); c.5596G>A, p.Glu1866Lys (NM_022844.3); c.948-9010C>T (NM_001143979.2, NM_017668.3); short protein forms E1866K, E1873K.
Identifiers: ClinVar variation 263884 (VCV000263884.20), dbSNP rs148743922, ClinGen allele CA7921213.